The following is an entry in ClinVar:

NM_000089.4(COL1A2):c.2321C>G (p.Ala774Gly)

Gene: COL1A2 (collagen type I alpha 2 chain; plus strand). Cytogenetic location: 7q21.3.
Variant type: single nucleotide variant.
Coding change: c.2321C>G on transcript NM_000089.4 (MANE Select); coding-DNA position 2321, C replaced by G.
Protein change: p.Ala774Gly; replaces alanine 774 with glycine.
Molecular consequence: missense variant.
Genome position (GRCh38, 1-based): chr7:94,421,034, C>G. VCF-style: chr7-94421034-C-G. GRCh37 (hg19) VCF-style: chr7-94050346-C-G.
Other names: short protein forms A774G.
Identifiers: ClinVar variation 3756477 (VCV003756477.2).

ClinVar aggregate classification (germline): Uncertain significance (1 of 4 stars; one submission).

Conditions:
Ehlers-Danlos syndrome, classic type, 1 (EDSCL1). Also called: EHLERS-DANLOS SYNDROME, GRAVIS TYPE; EHLERS-DANLOS SYNDROME, SEVERE CLASSIC TYPE; Ehlers-Danlos syndrome, type 1; Ehlers-Danlos Syndrome, Classic Type, COL5A1-Related; EDS I. Identifiers: MedGen C0268335, MONDO:0019567, OMIM 130000.
Osteogenesis imperfecta type I (OI1). Also called: OI, TYPE I; OSTEOGENESIS IMPERFECTA TARDA; OSTEOGENESIS IMPERFECTA WITH BLUE SCLERAE; Osteogenesis imperfecta type 1; Lobstein's Disease; Lobstein disease. Identifiers: Orphanet 216796, Orphanet 666, MedGen C0023931, MONDO:0008146, OMIM 166200. Disease mechanism: loss of function.

Submission:

Labcorp Genetics (formerly Invitae), Labcorp
Classification: Uncertain significance for Osteogenesis imperfecta type I; Ehlers-Danlos syndrome, classic type, 1. Last evaluated: 2024-05-22. Review status: criteria provided, single submitter. Criteria: Invitae Variant Classification Sherloc (09022015). Collection method: clinical testing. Allele origin: germline.
Comment: This sequence change replaces alanine, which is neutral and non-polar, with glycine, which is neutral and non-polar, at codon 774 of the COL1A2 protein (p.Ala774Gly). This variant is not present in population databases (gnomAD no frequency). This variant has not been reported in the literature in individuals affected with COL1A2-related conditions. Advanced modeling of protein sequence and biophysical properties (such as structural, functional, and spatial information, amino acid conservation, physicochemical variation, residue mobility, and thermodynamic stability) performed at Invitae indicates that this missense variant is not expected to disrupt COL1A2 protein function with a negative predictive value of 95%. In summary, the available evidence is currently insufficient to determine the role of this variant in disease. Therefore, it has been classified as a Variant of Uncertain Significance.